The following is an entry in ClinVar:

ClinVar aggregate classification (germline): Pathogenic (1 of 4 stars; one submission).

Submission:

Labcorp Genetics (formerly Invitae), Labcorp
Classification: Pathogenic. Last evaluated: 2022-02-19. Review status: criteria provided, single submitter. Criteria: Invitae Variant Classification Sherloc (09022015). Collection method: clinical testing. Allele origin: germline.
Comment: This sequence change creates a premature translational stop signal (p.Cys146Alafs*8) in the SLC12A3 gene. It is expected to result in an absent or disrupted protein product. Loss-of-function variants in SLC12A3 are known to be pathogenic (PMID: 20848653, 22009145, 25841442). This variant is not present in population databases (gnomAD no frequency). This variant has not been reported in the literature in individuals affected with SLC12A3-related conditions. For these reasons, this variant has been classified as Pathogenic.

Literature cited by the submitters: PubMed 20848653; PubMed 22009145; PubMed 25841442.

NM_001126108.2(SLC12A3):c.436del (p.Cys146fs)

Gene: SLC12A3 (solute carrier family 12 member 3; plus strand). Cytogenetic location: 16q13.
Variant type: Deletion.
Coding change: c.436del on transcript NM_001126108.2 (MANE Select); coding-DNA position 436, one base deleted (T; older notation c.436delT).
Protein change: p.Cys146fs; shifts the reading frame from cysteine 146.
Molecular consequence: frameshift variant.
Genome position (GRCh38, 1-based): chr16:56,868,303, T deleted; the last of 2 consecutive T bases (chr16:56,868,302-56,868,303); deleting either gives the same sequence. VCF-style (leftmost placement, unchanged base first): chr16-56868301-GT-G. GRCh37 (hg19) VCF-style: chr16-56902213-GT-G.
Other names: c.436del, p.Cys146fs (NM_000339.3); c.433del, p.Cys145fs (NM_001126107.2); c.433delT, p.Cys145Alafs (NM_001410896.1); short protein forms C146fs, C145fs.
Identifiers: ClinVar variation 2099337 (VCV002099337.4), dbSNP rs2543475708, ClinGen allele CA2580091672.